The following is an entry in ClinVar:

ClinVar aggregate classification (germline): Pathogenic (1 of 4 stars; one submission).

Submission:

Labcorp Genetics (formerly Invitae), Labcorp
Classification: Pathogenic. Last evaluated: 2023-05-12. Review status: criteria provided, single submitter. Criteria: Invitae Variant Classification Sherloc (09022015). Collection method: clinical testing. Allele origin: germline.
Comment: For these reasons, this variant has been classified as Pathogenic. This variant has not been reported in the literature in individuals affected with PEPD-related conditions. This variant is not present in population databases (gnomAD no frequency). This sequence change creates a premature translational stop signal (p.Ala319Cysfs*10) in the PEPD gene. It is expected to result in an absent or disrupted protein product. Loss-of-function variants in PEPD are known to be pathogenic (PMID: 8198124, 10721675, 12384772, 17142620).

Literature cited by the submitters: PubMed 8198124; PubMed 10721675; PubMed 12384772; PubMed 17142620.

NM_000285.4(PEPD):c.953dup (p.Ala319fs)

Gene: PEPD (peptidase D; minus strand). Cytogenetic location: 19q13.11.
Variant type: Duplication.
Coding change: c.953dup on transcript NM_000285.4 (MANE Select); coding-DNA position 953, one base duplicated (G; older notation c.953dupG).
Protein change: p.Ala319fs; shifts the reading frame from alanine 319.
Molecular consequence: frameshift variant.
Genome position (GRCh38, 1-based): chr19:33,401,735, C duplicated on the plus strand (G on the coding strand, the reverse complement: PEPD is on the minus strand); the first of 3 consecutive C bases (chr19:33,401,735-33,401,737); duplicating any one gives the same sequence. VCF-style (leftmost placement, unchanged base first): chr19-33401734-A-AC. GRCh37 (hg19) VCF-style: chr19-33892640-A-AC.
Other names: c.830dup, p.Ala278fs (NM_001166056.2); c.761dup, p.Ala255fs (NM_001166057.2); short protein forms A278fs, A319fs, A255fs.
Identifiers: ClinVar variation 2822380 (VCV002822380.3), dbSNP rs2513396318, ClinGen allele CA2739276646.
Genomic context (GRCh38, chr19:33,401,734, plus strand): 5'-CCCAACGCCACGTCAGATGCGCCTCCCCCCACCGACCCGCTGCTCACCTGGCTTCATGGC[A>AC]CCCATGACGGCACGGGAGCTCCGCAGCACTGCCTCATAGACGGCCTTCTGGTCTGCAGTG-3'